The following is an entry in ClinVar:

NM_005529.7(HSPG2):c.9154A>G (p.Ile3052Val)

Gene: HSPG2 (heparan sulfate proteoglycan 2; minus strand). Cytogenetic location: 1p36.12.
Variant type: single nucleotide variant.
Coding change: c.9154A>G on transcript NM_005529.7 (MANE Select); coding-DNA position 9154, A replaced by G.
Protein change: p.Ile3052Val; replaces isoleucine 3052 with valine.
Molecular consequence: missense variant.
Genome position (GRCh38, 1-based): chr1:21,842,041, T>C on the plus strand (A>G on the coding strand, the complement: HSPG2 is on the minus strand). VCF-style: chr1-21842041-T-C. GRCh37 (hg19) VCF-style: chr1-22168534-T-C.
Other names: c.9157A>G, p.Ile3053Val (NM_001291860.2); c.9154A>G (NM_005529.5); short protein forms I3052V, I3053V.
Identifiers: ClinVar variation 994895 (VCV000994895.6), dbSNP rs764834261, ClinGen allele CA670542.

ClinVar aggregate classification (germline): Uncertain significance. Review status: criteria provided, multiple submitters, no conflicts (2 of 4 stars). 3 submissions from 3 submitters: Uncertain significance (3). Last evaluated 2024-09-27.

Conditions:
Inborn genetic diseases. Identifiers: MedGen C0950123, MeSH D030342.

Allele frequency attached by ClinVar (database versions not stated): gnomAD 0.00001; gnomAD exomes 0.00002 and 0.00004; TOPMed 0.00003; ExAC 0.00004.
gnomAD v4.1: 65 of 1,613,438 alleles (0.004%); highest among the groups gnomAD compares: Non-Finnish European, 0.0053%; no homozygotes.

Submissions (3):

Ambry Genetics
Classification: Uncertain significance for Inborn genetic diseases. Last evaluated: 2024-09-27. Review status: criteria provided, single submitter. Criteria: Ambry Variant Classification Scheme 2023. Collection method: clinical testing. Allele origin: germline.

Labcorp Genetics (formerly Invitae), Labcorp
Classification: Uncertain significance. Last evaluated: 2021-10-29. Review status: criteria provided, single submitter. Criteria: Invitae Variant Classification Sherloc (09022015). Collection method: clinical testing. Allele origin: germline.
Comment: This sequence change replaces isoleucine, which is neutral and non-polar, with valine, which is neutral and non-polar, at codon 3052 of the HSPG2 protein (p.Ile3052Val). This variant is present in population databases (rs764834261, gnomAD 0.007%). This variant has not been reported in the literature in individuals affected with HSPG2-related conditions. ClinVar contains an entry for this variant (Variation ID: 994895). Algorithms developed to predict the effect of missense changes on protein structure and function output the following: SIFT: "Tolerated"; PolyPhen-2: "Benign"; Align-GVGD: "Class C0". The valine amino acid residue is found in multiple mammalian species, which suggests that this missense change does not adversely affect protein function. In summary, the available evidence is currently insufficient to determine the role of this variant in disease. Therefore, it has been classified as a Variant of Uncertain Significance.

Athena Diagnostics
Classification: Uncertain significance. Last evaluated: 2020-01-21. Review status: criteria provided, single submitter. Criteria: Athena Diagnostics Criteria. Collection method: clinical testing. Allele origin: unknown.